The following is an entry in ClinVar:

NM_001040716.2(PC):c.2265G>T (p.Leu755=)

Gene: PC (pyruvate carboxylase; minus strand). Cytogenetic location: 11q13.2.
Variant type: single nucleotide variant.
Coding change: c.2265G>T on transcript NM_001040716.2 (MANE Select); coding-DNA position 2265, G replaced by T.
Protein change: p.Leu755=; no amino-acid change (leucine 755 retained).
Molecular consequence: synonymous variant.
Genome position (GRCh38, 1-based): chr11:66,850,882, C>A on the plus strand (G>T on the coding strand, the complement: PC is on the minus strand). VCF-style: chr11-66850882-C-A. GRCh37 (hg19) VCF-style: chr11-66618353-C-A.
Other names: c.2265G>T (NM_000920.3); c.2265G>T, p.Leu755= (NM_000920.4, NM_022172.3).
Identifiers: ClinVar variation 1138140 (VCV001138140.10), dbSNP rs1226564535, ClinGen allele CA475500892.

ClinVar aggregate classification (germline): Conflicting classifications of pathogenicity. Review status: criteria provided, conflicting classifications (1 of 4 stars). 2 submissions from 2 submitters: Uncertain significance (1); Likely benign (1). Last evaluated 2025-07-07.

Conditions:
Pyruvate carboxylase deficiency. Also called: PC DEFICIENCY; ATAXIA WITH LACTIC ACIDOSIS II; Pyruvate Carboxylase Deficiency Disease; LEIGH NECROTIZING ENCEPHALOPATHY DUE TO PYRUVATE CARBOXYLASE DEFICIENCY; LEIGH SYNDROME DUE TO PYRUVATE CARBOXYLASE DEFICIENCY. Identifiers: Orphanet 3008, MedGen C0034341, MONDO:0009949, OMIM 266150.

Allele frequency attached by ClinVar (database versions not stated): gnomAD 0.00001.
gnomAD v4.1: 5 of 1,610,834 alleles (0.00031%); highest among the groups gnomAD compares: Admixed American, 0.0017%; no homozygotes.

Submissions (2):

GeneDx
Classification: Uncertain significance. Last evaluated: 2025-07-07. Review status: criteria provided, single submitter. Criteria: GeneDx Variant Classification Process June 2021. Collection method: clinical testing. Allele origin: germline. Affected: yes.
Comment: Not observed at significant frequency in large population cohorts (gnomAD); In silico analysis suggests that this variant does not alter splicing; Has not been previously published as pathogenic or benign to our knowledge

Labcorp Genetics (formerly Invitae), Labcorp
Classification: Likely benign for Pyruvate carboxylase deficiency. Last evaluated: 2023-12-05. Review status: criteria provided, single submitter. Criteria: Invitae Variant Classification Sherloc (09022015). Collection method: clinical testing. Allele origin: germline.